The following is an entry in ClinVar:

ClinVar aggregate classification (germline): Uncertain significance (1 of 4 stars; one submission).

gnomAD v4.1: 1 of 1,613,440 alleles (0.000062%); highest among the groups gnomAD compares: Non-Finnish European, 0.000085%; no homozygotes.

Submission:

Labcorp Genetics (formerly Invitae), Labcorp
Classification: Uncertain significance. Last evaluated: 2025-02-09. Review status: criteria provided, single submitter. Criteria: Invitae Variant Classification Sherloc (09022015). Collection method: clinical testing. Allele origin: germline.
Comment: This sequence change replaces histidine, which is basic and polar, with arginine, which is basic and polar, at codon 966 of the CACNA1E protein (p.His966Arg). This variant is not present in population databases (gnomAD no frequency). This variant has not been reported in the literature in individuals affected with CACNA1E-related conditions. Invitae Evidence Modeling of protein sequence and biophysical properties (such as structural, functional, and spatial information, amino acid conservation, physicochemical variation, residue mobility, and thermodynamic stability) indicates that this missense variant is not expected to disrupt CACNA1E protein function with a negative predictive value of 95%. In summary, the available evidence is currently insufficient to determine the role of this variant in disease. Therefore, it has been classified as a Variant of Uncertain Significance.

NM_001205293.3(CACNA1E):c.2897A>G (p.His966Arg)

Gene: CACNA1E (calcium voltage-gated channel subunit alpha1 E; plus strand). Cytogenetic location: 1q25.3.
Variant type: single nucleotide variant.
Coding change: c.2897A>G on transcript NM_001205293.3 (MANE Select); coding-DNA position 2897, A replaced by G.
Protein change: p.His966Arg; replaces histidine 966 with arginine.
Molecular consequence: missense variant.
Genome position (GRCh38, 1-based): chr1:181,732,983, A>G. VCF-style: chr1-181732983-A-G. GRCh37 (hg19) VCF-style: chr1-181702119-A-G.
Other names: c.2897A>G, p.His966Arg (NM_000721.4); c.2840A>G, p.His947Arg (NM_001205294.2); short protein forms H947R, H966R.
Identifiers: ClinVar variation 4775670 (VCV004775670.1).